The following is an entry in ClinVar:

ClinVar aggregate classification (germline): Pathogenic/Likely pathogenic. Review status: criteria provided, multiple submitters, no conflicts (2 of 4 stars). 2 submissions from 2 submitters: Pathogenic (1); Likely pathogenic (1). Last evaluated 2025-02-07.

Conditions:
Oculocerebrodental syndrome (OCSKD). Also called: OCULOSKELETODENTAL SYNDROME; CATARACTS, EARLY-ONSET, WITH SKELETAL AND DENTAL ANOMALIES. Identifiers: Orphanet 557003, MedGen C5193101, MONDO:0034145, OMIM 618440.

Submissions (2):

Laboratorio de Genetica e Diagnostico Molecular, Hospital Israelita Albert Einstein
Classification: Likely pathogenic for Oculocerebrodental syndrome. Last evaluated: 2025-02-07. Review status: criteria provided, single submitter. Criteria: ACMG Guidelines, 2015. Collection method: clinical testing. Allele origin: germline. Affected: yes.
Comment: ACMG classification criteria: PVS1 very strong, PM2 supporting

Labcorp Genetics (formerly Invitae), Labcorp
Classification: Pathogenic. Last evaluated: 2023-12-12. Review status: criteria provided, single submitter. Criteria: Invitae Variant Classification Sherloc (09022015). Collection method: clinical testing. Allele origin: germline.
Comment: This sequence change creates a premature translational stop signal (p.Thr1415Hisfs*31) in the PIK3C2A gene. It is expected to result in an absent or disrupted protein product. Loss-of-function variants in PIK3C2A are known to be pathogenic (PMID: 31034465). This variant is not present in population databases (gnomAD no frequency). This variant has not been reported in the literature in individuals affected with PIK3C2A-related conditions. For these reasons, this variant has been classified as Pathogenic.

Literature cited by the submitters: PubMed 31034465 (cited by Labcorp Genetics (formerly Invitae), Labcorp).

NM_002645.4(PIK3C2A):c.4243del (p.Thr1415fs)

Gene: PIK3C2A (phosphatidylinositol-4-phosphate 3-kinase catalytic subunit type 2 alpha; minus strand). Cytogenetic location: 11p15.1.
Variant type: Deletion.
Coding change: c.4243del on transcript NM_002645.4 (MANE Select); coding-DNA position 4243, one base deleted (A; older notation c.4243delA).
Protein change: p.Thr1415fs; shifts the reading frame from threonine 1415.
Molecular consequence: frameshift variant.
Genome position (GRCh38, 1-based): chr11:17,097,140, T deleted on the plus strand (A on the coding strand, the reverse complement: PIK3C2A is on the minus strand); the first of 4 consecutive T bases (chr11:17,097,140-17,097,143); deleting any one gives the same sequence. VCF-style (leftmost placement, unchanged base first): chr11-17097139-GT-G. GRCh37 (hg19) VCF-style: chr11-17118686-GT-G.
Other names: c.4243del, p.Thr1415fs (NM_001321378.2); c.3103del, p.Thr1035fs (NM_001321380.2); c.4075del, p.Thr1359fs (NM_001386870.1); short protein forms T1035fs, T1359fs, T1415fs.
Identifiers: ClinVar variation 2869058 (VCV002869058.4), dbSNP rs1848478518, ClinGen allele CA1954988853.
Genomic context (GRCh38, chr11:17,097,139, plus strand): 5'-TTCTTATGATATGTAAAAACAGAGACTTCCTTGATTCGACCATCTTGTCTAAAGGAGTAT[GT>G]TTTAGGTGAAAATGAAAGGATGGGCTCATCATTAGAAGGAAGACCAGAAAAACGAAGCTG-3'